The following is an entry in ClinVar:

ClinVar aggregate classification (germline): Uncertain significance. Review status: criteria provided, multiple submitters, no conflicts (2 of 4 stars). 2 submissions from 2 submitters: Uncertain significance (2). Last evaluated 2024-11-05.

Allele frequency attached by ClinVar (database versions not stated): gnomAD 0.00003 and 0.00004; TOPMed 0.00003.
gnomAD v4.1: 10 of 1,614,054 alleles (0.00062%); highest among the groups gnomAD compares: African/African-American, 0.008%; no homozygotes.

Submissions (2):

Women's Health and Genetics/Laboratory Corporation of America, LabCorp
Classification: Uncertain significance. Last evaluated: 2024-11-05. Review status: criteria provided, single submitter. Criteria: LabCorp Variant Classification Summary - May 2015. Collection method: clinical testing. Allele origin: germline.
Comment: Variant summary: ABCC2 c.3011C>T (p.Thr1004Ile) results in a non-conservative amino acid change located in the ABC transporter transmembrane region (IPR011527) of the encoded protein sequence. Four of five in-silico tools predict a damaging effect of the variant on protein function. The variant allele was found at a frequency of 1.6e-05 in 251446 control chromosomes. The available data on variant occurrences in the general population are insufficient to allow any conclusion about variant significance. c.3011C>T has been reported in the literature in the compound heterozygous state in at least one individual with clinical features of Dubin-Johnson Syndrome (Zhao_2022). These data do not allow any conclusion about variant significance. To our knowledge, no experimental evidence demonstrating an impact on protein function has been reported. The following publication have been ascertained in the context of this evaluation (PMID: 36082568). ClinVar contains an entry for this variant (Variation ID: 598366). Based on the evidence outlined above, the variant was classified as uncertain significance.

Eurofins Ntd Llc (ga)
Classification: Uncertain significance. Last evaluated: 2018-08-09. Review status: criteria provided, single submitter. Criteria: EGL ClinVar v180209 classification definitions. Collection method: clinical testing. Allele origin: germline. Observed: 1 variant allele, 1 heterozygote.

Literature cited by the submitters: PubMed 36082568 (cited by Women's Health and Genetics/Laboratory Corporation of America, LabCorp).

NM_000392.5(ABCC2):c.3011C>T (p.Thr1004Ile)

Gene: ABCC2 (ATP binding cassette subfamily C member 2; plus strand). Cytogenetic location: 10q24.2.
Variant type: single nucleotide variant.
Coding change: c.3011C>T on transcript NM_000392.5 (MANE Select); coding-DNA position 3011, C replaced by T.
Protein change: p.Thr1004Ile; replaces threonine 1004 with isoleucine.
Molecular consequence: missense variant.
Genome position (GRCh38, 1-based): chr10:99,831,738, C>T. VCF-style: chr10-99831738-C-T. GRCh37 (hg19) VCF-style: chr10-101591495-C-T.
Other names: c.3011C>T, p.Thr1004Ile (LRG_1208t1); short protein forms T1004I.
Identifiers: ClinVar variation 598366 (VCV000598366.6), dbSNP rs775253982, ClinGen allele CA5643663.